The following is an entry in ClinVar:

NM_153026.3(PRICKLE1):c.2122A>G (p.Asn708Asp)

Gene: PRICKLE1 (prickle planar cell polarity protein 1; minus strand). Cytogenetic location: 12q12.
Variant type: single nucleotide variant.
Coding change: c.2122A>G on transcript NM_153026.3 (MANE Select); coding-DNA position 2122, A replaced by G.
Protein change: p.Asn708Asp; replaces asparagine 708 with aspartic acid.
Molecular consequence: missense variant.
Genome position (GRCh38, 1-based): chr12:42,460,183, T>C on the plus strand (A>G on the coding strand, the complement: PRICKLE1 is on the minus strand). VCF-style: chr12-42460183-T-C. GRCh37 (hg19) VCF-style: chr12-42853985-T-C.
Other names: c.2122A>G, p.Asn708Asp (NM_001144881.2, NM_001144882.2, NM_001144883.2); short protein forms N708D.
Identifiers: ClinVar variation 1056459 (VCV001056459.9), dbSNP rs371991440, ClinGen allele CA6519649.

ClinVar aggregate classification (germline): Uncertain significance (1 of 4 stars; one submission).

Conditions:
Epilepsy, progressive myoclonic, 1B. Also called: PME. Identifiers: Orphanet 308, MedGen C2676254, MONDO:0012904, OMIM 612437.

Allele frequency attached by ClinVar (database versions not stated): gnomAD exomes below 0.00001 and 0.00001; ExAC 0.00001; ESP Exome Variant Server 0.00008.
gnomAD v4.1: 15 of 1,614,074 alleles (0.00093%); highest among the groups gnomAD compares: Non-Finnish European, 0.0013%; no homozygotes.

Submission:

Labcorp Genetics (formerly Invitae), Labcorp
Classification: Uncertain significance for Epilepsy, progressive myoclonic, 1B. Last evaluated: 2023-08-24. Review status: criteria provided, single submitter. Criteria: Invitae Variant Classification Sherloc (09022015). Collection method: clinical testing. Allele origin: germline.
Comment: This sequence change replaces asparagine, which is neutral and polar, with aspartic acid, which is acidic and polar, at codon 708 of the PRICKLE1 protein (p.Asn708Asp). This variant is present in population databases (rs371991440, gnomAD 0.0009%). In summary, the available evidence is currently insufficient to determine the role of this variant in disease. Therefore, it has been classified as a Variant of Uncertain Significance. An algorithm developed to predict the effect of missense changes on protein structure and function (PolyPhen-2) suggests that this variant¬†is likely to be tolerated. ClinVar contains an entry for this variant (Variation ID: 1056459). This variant has not been reported in the literature in individuals affected with PRICKLE1-related conditions.